The following is an entry in ClinVar:

ClinVar aggregate classification (germline): Uncertain significance. Review status: criteria provided, multiple submitters, no conflicts (2 of 4 stars). 2 submissions from 2 submitters: Uncertain significance (2). Last evaluated 2025-01-03.

Allele frequency attached by ClinVar (database versions not stated): ExAC 0.00002; TOPMed 0.00001; gnomAD 0.00001.

Submissions (2):

GeneDx
Classification: Uncertain significance. Last evaluated: 2025-01-03. Review status: criteria provided, single submitter. Criteria: GeneDx Variant Classification Process June 2021. Collection method: clinical testing. Allele origin: germline.
Comment: Not observed at significant frequency in large population cohorts (gnomAD); In silico analysis supports that this missense variant has a deleterious effect on protein structure/function; Has not been previously published as pathogenic or benign to our knowledge

Labcorp Genetics (formerly Invitae), Labcorp
Classification: Uncertain significance. Last evaluated: 2022-04-02. Review status: criteria provided, single submitter. Criteria: Invitae Variant Classification Sherloc (09022015). Collection method: clinical testing. Allele origin: germline.
Comment: This sequence change replaces glycine, which is neutral and non-polar, with arginine, which is basic and polar, at codon 182 of the GTPBP3 protein (p.Gly182Arg). This variant is present in population databases (rs751294507, gnomAD 0.003%). This variant has not been reported in the literature in individuals affected with GTPBP3-related conditions. Algorithms developed to predict the effect of missense changes on protein structure and function are either unavailable or do not agree on the potential impact of this missense change (SIFT: "Deleterious"; PolyPhen-2: "Probably Damaging"; Align-GVGD: "Class C15"). In summary, the available evidence is currently insufficient to determine the role of this variant in disease. Therefore, it has been classified as a Variant of Uncertain Significance.

NM_032620.4(GTPBP3):c.544G>A (p.Gly182Arg)

Gene: GTPBP3 (GTP binding protein 3, mitochondrial; plus strand). Cytogenetic location: 19p13.11.
Variant type: single nucleotide variant.
Coding change: c.544G>A on transcript NM_032620.4 (MANE Select); coding-DNA position 544, G replaced by A.
Protein change: p.Gly182Arg; replaces glycine 182 with arginine.
Molecular consequence: missense variant.
Genome position (GRCh38, 1-based): chr19:17,338,694, G>A. VCF-style: chr19-17338694-G-A. GRCh37 (hg19) VCF-style: chr19-17449503-G-A.
Other names: c.544G>A, p.Gly182Arg (NM_001128855.3, NM_133644.4); c.610G>A, p.Gly204Arg (NM_001195422.1); c.544G>A (NM_133644.3); short protein forms G182R, G204R.
Identifiers: ClinVar variation 2037099 (VCV002037099.3), dbSNP rs751294507, ClinGen allele CA9293386.